The following is an entry in ClinVar:

NM_153676.4(USH1C):c.2401G>A (p.Glu801Lys)

Gene: USH1C (USH1 protein network component harmonin; minus strand). Cytogenetic location: 11p15.1.
Variant type: single nucleotide variant.
Coding change: c.2401G>A on transcript NM_153676.4 (MANE Select); coding-DNA position 2401, G replaced by A.
Protein change: p.Glu801Lys; replaces glutamic acid 801 with lysine.
Molecular consequence: missense variant. On other transcripts: non-coding transcript variant (1).
Genome position (GRCh38, 1-based): chr11:17,498,251, C>T on the plus strand (G>A on the coding strand, the complement: USH1C is on the minus strand). VCF-style: chr11-17498251-C-T. GRCh37 (hg19) VCF-style: chr11-17519798-C-T.
Other names: c.1444G>A, p.Glu482Lys (NM_001297764.2); c.1501G>A, p.Glu501Lys (NM_005709.4); short protein forms E501K, E801K, E482K.
Identifiers: ClinVar variation 969523 (VCV000969523.8), dbSNP rs371257969, ClinGen allele CA5904171.

ClinVar aggregate classification (germline): Uncertain significance. Review status: criteria provided, multiple submitters, no conflicts (2 of 4 stars). 6 submissions from 6 submitters: Uncertain significance (5). 1 of the submissions does not count toward it. Last evaluated 2025-04-30.

Conditions:
Usher syndrome type 1C. Also called: USHER SYNDROME, TYPE I, ACADIAN VARIETY. Identifiers: Orphanet 231169, Orphanet 886, MedGen C1848604, MONDO:0010171, OMIM 276904.
Inborn genetic diseases. Identifiers: MedGen C0950123, MeSH D030342.
Usher syndrome type 1 (USH1). Also called: RETINITIS PIGMENTOSA AND CONGENITAL DEAFNESS. Identifiers: Orphanet 231169, Orphanet 886, MedGen C1568247, MONDO:0010168, OMIM 276900.
Autosomal recessive nonsyndromic hearing loss 18A. Also called: Deafness, autosomal recessive 18A; DEAFNESS, AUTOSOMAL RECESSIVE 18. Identifiers: Orphanet 90636, MedGen C1865870, MONDO:0011192, OMIM 602092.

Allele frequency attached by ClinVar (database versions not stated): TOPMed 0.00003; ESP Exome Variant Server 0.00008.

Submissions (6):

GeneDx
Classification: Uncertain significance. Last evaluated: 2025-04-30. Review status: criteria provided, single submitter. Criteria: GeneDx Variant Classification Process June 2021. Collection method: clinical testing. Allele origin: germline. Affected: yes.
Comment: In silico analysis indicates that this missense variant does not alter protein structure/function; Has not been previously published as pathogenic or benign to our knowledge

Ambry Genetics
Classification: Uncertain significance for Inborn genetic diseases. Last evaluated: 2024-01-17. Review status: criteria provided, single submitter. Criteria: Ambry Variant Classification Scheme 2023. Collection method: clinical testing. Allele origin: germline.

Department of Pathology and Laboratory Medicine, Sinai Health System
Classification: Uncertain significance for Usher syndrome type 1; Usher syndrome type 1C; Autosomal recessive nonsyndromic hearing loss 18A. Last evaluated: 2023-04-03. Review status: criteria provided, single submitter. Criteria: ACMG Guidelines, 2015. Collection method: research. Allele origin: germline.

Labcorp Genetics (formerly Invitae), Labcorp
Classification: Uncertain significance. Last evaluated: 2022-10-17. Review status: criteria provided, single submitter. Criteria: Invitae Variant Classification Sherloc (09022015). Collection method: clinical testing. Allele origin: germline.
Comment: This sequence change replaces glutamic acid, which is acidic and polar, with lysine, which is basic and polar, at codon 501 of the USH1C protein (p.Glu501Lys). This variant is present in population databases (rs371257969, gnomAD 0.02%). This variant has not been reported in the literature in individuals affected with USH1C-related conditions. ClinVar contains an entry for this variant (Variation ID: 969523). Algorithms developed to predict the effect of missense changes on protein structure and function are either unavailable or do not agree on the potential impact of this missense change (SIFT: "Tolerated"; PolyPhen-2: "Probably Damaging"; Align-GVGD: "Class C0"). In summary, the available evidence is currently insufficient to determine the role of this variant in disease. Therefore, it has been classified as a Variant of Uncertain Significance.

Blueprint Genetics
Classification: Uncertain significance. Last evaluated: 2019-09-10. Review status: criteria provided, single submitter. Criteria: ACMG Guidelines, 2015. Collection method: clinical testing. Allele origin: germline.

Natera, Inc.
Classification: Uncertain significance for Usher syndrome type 1C. Last evaluated: 2020-09-02. Review status: no assertion criteria provided. Collection method: clinical testing. Allele origin: germline. Not counted in ClinVar's aggregate classification.